The following is an entry in ClinVar:

ClinVar aggregate classification (germline): Likely benign (1 of 4 stars; one submission).

Allele frequency attached by ClinVar (database versions not stated): 1000 Genomes Project 0.00080; 1000 Genomes Project 30x 0.00094; TOPMed 0.00110; ExAC 0.00113; gnomAD 0.00122; ESP Exome Variant Server 0.00123; gnomAD exomes 0.00164.
gnomAD v4.1: 2,551 of 1,614,062 alleles (0.16%); highest among the groups gnomAD compares: Non-Finnish European, 0.2%; 6 homozygotes.

Submission:

CeGaT Center for Human Genetics Tuebingen
Classification: Likely benign. Last evaluated: 2023-08-01. Review status: criteria provided, single submitter. Criteria: CeGaT Center For Human Genetics Tuebingen Variant Classification Criteria Version 2. Collection method: clinical testing. Allele origin: germline. Affected: yes. Observed: 1 variant allele.
Comment: GPRC6A: BP4, BS2

NM_148963.4(GPRC6A):c.2036C>T (p.Thr679Met)

Gene: GPRC6A (G protein-coupled receptor class C group 6 member A; minus strand). Cytogenetic location: 6q22.1.
Variant type: single nucleotide variant.
Coding change: c.2036C>T on transcript NM_148963.4 (MANE Select); coding-DNA position 2036, C replaced by T.
Protein change: p.Thr679Met; replaces threonine 679 with methionine.
Molecular consequence: missense variant.
Genome position (GRCh38, 1-based): chr6:116,792,887, G>A on the plus strand (C>T on the coding strand, the complement: GPRC6A is on the minus strand). VCF-style: chr6-116792887-G-A. GRCh37 (hg19) VCF-style: chr6-117114050-G-A.
Other names: c.1511C>T, p.Thr504Met (NM_001286354.2); c.1823C>T, p.Thr608Met (NM_001286355.2); short protein forms T504M, T608M, T679M.
Identifiers: ClinVar variation 2656867 (VCV002656867.24), dbSNP rs118009892, ClinGen allele CA3972438.
Genomic context (GRCh38, chr6:116,792,887, plus strand): 5'-TTCAGAAATTTCTGTAATTTGGGATCAAAGCTGAAGGCTAGCAAAATTTTCAGAGACTTC[G>A]TCAAAATGCAGGAGATGCAAAGAGTAAAGCTCACTCCAAACATTGTCTGCCTGGTTTTAC-3'
Protein context (NP_683766.2, residues 669-689): SFTLCISCIL[Thr679Met]KSLKILLAFS